The following is an entry in ClinVar:

NM_000094.4(COL7A1):c.752A>G (p.Gln251Arg)

Gene: COL7A1 (collagen type VII alpha 1 chain; minus strand). Cytogenetic location: 3p21.31.
Variant type: single nucleotide variant.
Coding change: c.752A>G on transcript NM_000094.4 (MANE Select); coding-DNA position 752, A replaced by G.
Protein change: p.Gln251Arg; replaces glutamine 251 with arginine.
Molecular consequence: missense variant.
Genome position (GRCh38, 1-based): chr3:48,592,869, T>C on the plus strand (A>G on the coding strand, the complement: COL7A1 is on the minus strand). VCF-style: chr3-48592869-T-C. GRCh37 (hg19) VCF-style: chr3-48630302-T-C.
Other names: c.752A>G (NM_000094.3); short protein forms Q251R.
Identifiers: ClinVar variation 1450867 (VCV001450867.9), dbSNP rs1227103410, ClinGen allele CA352742182.

ClinVar aggregate classification (germline): Uncertain significance. Review status: criteria provided, multiple submitters, no conflicts (2 of 4 stars). 2 submissions from 2 submitters: Uncertain significance (2). Last evaluated 2025-12-03.

Conditions:
Inborn genetic diseases. Identifiers: MedGen C0950123, MeSH D030342.

Allele frequency attached by ClinVar (database versions not stated): gnomAD 0.00001; TOPMed 0.00001.
gnomAD v4.1: 86 of 1,613,962 alleles (0.0053%); highest among the groups gnomAD compares: Non-Finnish European, 0.0072%; no homozygotes.

Submissions (2):

Labcorp Genetics (formerly Invitae), Labcorp
Classification: Uncertain significance. Last evaluated: 2025-12-03. Review status: criteria provided, single submitter. Criteria: Invitae Variant Classification Sherloc (09022015). Collection method: clinical testing. Allele origin: germline.
Comment: This sequence change replaces glutamine, which is neutral and polar, with arginine, which is basic and polar, at codon 251 of the COL7A1 protein (p.Gln251Arg). This variant is not present in population databases (gnomAD no frequency). This variant has not been reported in the literature in individuals affected with COL7A1-related conditions. ClinVar contains an entry for this variant (Variation ID: 1450867). Invitae Evidence Modeling of protein sequence and biophysical properties (such as structural, functional, and spatial information, amino acid conservation, physicochemical variation, residue mobility, and thermodynamic stability) indicates that this missense variant is not expected to disrupt COL7A1 protein function with a negative predictive value of 95%. In summary, the available evidence is currently insufficient to determine the role of this variant in disease. Therefore, it has been classified as a Variant of Uncertain Significance.

Ambry Genetics
Classification: Uncertain significance for Inborn genetic diseases. Last evaluated: 2025-01-16. Review status: criteria provided, single submitter. Criteria: Ambry Variant Classification Scheme 2023. Collection method: clinical testing. Allele origin: germline.